The following is an entry in ClinVar:

ClinVar aggregate classification (germline): Uncertain significance. Review status: criteria provided, multiple submitters, no conflicts (2 of 4 stars). 2 submissions from 2 submitters: Uncertain significance (2). Last evaluated 2025-03-08.

Conditions:
Congenital disorder of glycosylation type Ir (CDG1R). Also called: DDOST-congenital disorder of glycosylation. Identifiers: Orphanet 300536, MedGen C3281084, MONDO:0013789, OMIM 614507.

Allele frequency attached by ClinVar (database versions not stated): ExAC 0.00005; TOPMed 0.00009; gnomAD 0.00010 and 0.00011; gnomAD exomes 0.00011.

Submissions (2):

Ambry Genetics
Classification: Uncertain significance. Last evaluated: 2025-03-08. Review status: criteria provided, single submitter. Criteria: Ambry Variant Classification Scheme 2023. Collection method: clinical testing. Allele origin: germline.

Labcorp Genetics (formerly Invitae), Labcorp
Classification: Uncertain significance for Congenital disorder of glycosylation type Ir. Last evaluated: 2023-11-27. Review status: criteria provided, single submitter. Criteria: Invitae Variant Classification Sherloc (09022015). Collection method: clinical testing. Allele origin: germline.
Comment: This sequence change replaces aspartic acid, which is acidic and polar, with asparagine, which is neutral and polar, at codon 262 of the DDOST protein (p.Asp262Asn). This variant is present in population databases (rs780103981, gnomAD 0.03%). This variant has not been reported in the literature in individuals affected with DDOST-related conditions. ClinVar contains an entry for this variant (Variation ID: 1063745). Advanced modeling of protein sequence and biophysical properties (such as structural, functional, and spatial information, amino acid conservation, physicochemical variation, residue mobility, and thermodynamic stability) performed at Invitae indicates that this missense variant is not expected to disrupt DDOST protein function with a negative predictive value of 80%. In summary, the available evidence is currently insufficient to determine the role of this variant in disease. Therefore, it has been classified as a Variant of Uncertain Significance.

NM_005216.5(DDOST):c.733G>A (p.Asp245Asn)

Gene: DDOST (dolichyl-diphosphooligosaccharide--protein glycosyltransferase non-catalytic subunit; minus strand). Cytogenetic location: 1p36.12.
Variant type: single nucleotide variant.
Coding change: c.733G>A on transcript NM_005216.5 (MANE Select); coding-DNA position 733, G replaced by A.
Protein change: p.Asp245Asn; replaces aspartic acid 245 with asparagine.
Molecular consequence: missense variant.
Genome position (GRCh38, 1-based): chr1:20,654,284, C>T on the plus strand (G>A on the coding strand, the complement: DDOST is on the minus strand). VCF-style: chr1-20654284-C-T. GRCh37 (hg19) VCF-style: chr1-20980777-C-T.
Other names: c.784G>A (NM_005216.4); short protein forms D245N.
Identifiers: ClinVar variation 1063745 (VCV001063745.10), dbSNP rs780103981, ClinGen allele CA661136.